The following is an entry in ClinVar:

NM_020549.5(CHAT):c.35G>A (p.Gly12Glu)

Gene: CHAT (choline O-acetyltransferase; plus strand). Cytogenetic location: 10q11.23.
Variant type: single nucleotide variant.
Coding change: c.35G>A on transcript NM_020549.5 (MANE Select); coding-DNA position 35, G replaced by A.
Protein change: p.Gly12Glu; replaces glycine 12 with glutamic acid.
Molecular consequence: missense variant. On other transcripts: 5 prime UTR variant (3), intron variant (3).
Genome position (GRCh38, 1-based): chr10:49,614,224, G>A. VCF-style: chr10-49614224-G-A. GRCh37 (hg19) VCF-style: chr10-50822270-G-A.
Other names: c.-320G>A (NM_001142929.2); c.-282G>A (NM_001142933.2); c.-390G>A (NM_001142934.2); c.-68-2278G>A (NM_020984.4); c.-240-80G>A (NM_020985.4); c.-69+1022G>A (NM_020986.4); short protein forms G12E.
Identifiers: ClinVar variation 935529 (VCV000935529.7), dbSNP rs770749789, ClinGen allele CA206622808.

ClinVar aggregate classification (germline): Uncertain significance (1 of 4 stars; one submission).

Conditions:
Familial infantile myasthenia (CMS6). Also called: MYASTHENIC SYNDROME, PRESYNAPTIC, CONGENITAL, ASSOCIATED WITH EPISODIC APNEA; MYASTHENIC SYNDROME, CONGENITAL, 6, PRESYNAPTIC; Congenital myasthenic syndrome type 6. Identifiers: Orphanet 590, MedGen C0393929, MONDO:0009689, OMIM 254210.

gnomAD v4.1: 6 of 1,531,648 alleles (0.00039%); highest among the groups gnomAD compares: Non-Finnish European, 0.00035%; no homozygotes.

Submission:

Labcorp Genetics (formerly Invitae), Labcorp
Classification: Uncertain significance for Familial infantile myasthenia. Last evaluated: 2022-02-18. Review status: criteria provided, single submitter. Criteria: Invitae Variant Classification Sherloc (09022015). Collection method: clinical testing. Allele origin: germline.
Comment: This sequence change replaces glycine, which is neutral and non-polar, with glutamic acid, which is acidic and polar, at codon 12 of the CHAT protein (p.Gly12Glu). This variant is not present in population databases (gnomAD no frequency). This variant has not been reported in the literature in individuals affected with CHAT-related conditions. ClinVar contains an entry for this variant (Variation ID: 935529). Advanced modeling of protein sequence and biophysical properties (such as structural, functional, and spatial information, amino acid conservation, physicochemical variation, residue mobility, and thermodynamic stability) performed at Invitae indicates that this missense variant is not expected to disrupt CHAT protein function. In summary, the available evidence is currently insufficient to determine the role of this variant in disease. Therefore, it has been classified as a Variant of Uncertain Significance.